The following is an entry in ClinVar:

NM_203447.4(DOCK8):c.1419G>C (p.Lys473Asn)

Gene: DOCK8 (dedicator of cytokinesis 8; plus strand). Cytogenetic location: 9p24.3.
Variant type: single nucleotide variant.
Coding change: c.1419G>C on transcript NM_203447.4 (MANE Select); coding-DNA position 1419, G replaced by C.
Protein change: p.Lys473Asn; replaces lysine 473 with asparagine.
Molecular consequence: missense variant.
Genome position (GRCh38, 1-based): chr9:336,715, G>C. VCF-style: chr9-336715-G-C. GRCh37 (hg19) VCF-style: chr9-336715-G-C.
Other names: c.1215G>C, p.Lys405Asn (NM_001190458.2, NM_001193536.2); short protein forms K405N, K473N.
Identifiers: ClinVar variation 1410882 (VCV001410882.8), dbSNP rs141697509, ClinGen allele CA372753599.

ClinVar aggregate classification (germline): Uncertain significance (1 of 4 stars; one submission).

Conditions:
Combined immunodeficiency due to DOCK8 deficiency (HIES2). Also called: HYPER-IgE RECURRENT INFECTION SYNDROME 2, AUTOSOMAL RECESSIVE; HYPER-IgE SYNDROME 2, AUTOSOMAL RECESSIVE, WITH RECURRENT INFECTIONS; HIES autosomal recessive; DOCK8 Deficiency; Hyper-IgE recurrent infection syndrome, autosomal recessive. Identifiers: Orphanet 217390, MedGen C4722305, MONDO:0009478, OMIM 243700.

Submission:

Labcorp Genetics (formerly Invitae), Labcorp
Classification: Uncertain significance for Combined immunodeficiency due to DOCK8 deficiency. Last evaluated: 2022-03-03. Review status: criteria provided, single submitter. Criteria: Invitae Variant Classification Sherloc (09022015). Collection method: clinical testing. Allele origin: germline.
Comment: This sequence change replaces lysine, which is basic and polar, with asparagine, which is neutral and polar, at codon 473 of the DOCK8 protein (p.Lys473Asn). In summary, the available evidence is currently insufficient to determine the role of this variant in disease. Therefore, it has been classified as a Variant of Uncertain Significance. This variant disrupts the p.Lys473 amino acid residue in DOCK8. Other variant(s) that disrupt this residue have been determined to be pathogenic (PMID: 20004785). This suggests that this residue is clinically significant, and that variants that disrupt this residue are likely to be disease-causing. Algorithms developed to predict the effect of missense changes on protein structure and function (SIFT, PolyPhen-2, Align-GVGD) all suggest that this variant is likely to be disruptive. This variant has not been reported in the literature in individuals affected with DOCK8-related conditions. This variant is not present in population databases (gnomAD no frequency).

Literature cited by the submitters: PubMed 20004785.